The following is an entry in ClinVar:

NM_024642.5(GALNT12):c.145G>A (p.Glu49Lys)

Gene: GALNT12 (polypeptide N-acetylgalactosaminyltransferase 12; plus strand). Cytogenetic location: 9q22.33.
Variant type: single nucleotide variant.
Coding change: c.145G>A on transcript NM_024642.5 (MANE Select); coding-DNA position 145, G replaced by A.
Protein change: p.Glu49Lys; replaces glutamic acid 49 with lysine.
Molecular consequence: missense variant.
Genome position (GRCh38, 1-based): chr9:98,807,843, G>A. VCF-style: chr9-98807843-G-A. GRCh37 (hg19) VCF-style: chr9-101570125-G-A.
Other names: short protein forms E49K.
Identifiers: ClinVar variation 2472700 (VCV002472700.3), dbSNP rs1484373258, ClinGen allele CA374222397.
Genomic context (GRCh38, chr9:98,807,843, plus strand): 5'-GCGTTGGCCGGGCTGGGCTCGGTGCTGCGGGCGCAGCGTGGGGCCGGGGCCGGGGCTGCC[G>A]AGCCGGGACCCCCGCGCACCCCGCGCCCCGGGCGGCGCGAGCCGGTCATGCCGCGGCCGC-3'
Protein context (NP_078918.3, residues 39-59): AQRGAGAGAA[Glu49Lys]PGPPRTPRPG

ClinVar aggregate classification (germline): Uncertain significance (1 of 4 stars; one submission).

Allele frequency attached by ClinVar (database versions not stated): gnomAD exomes below 0.00001; gnomAD 0.00002; TOPMed 0.00002.
gnomAD v4.1: 6 of 1,009,968 alleles (0.00059%); highest among the groups gnomAD compares: African/African-American, 0.0052%; no homozygotes.

Submission:

Ambry Genetics
Classification: Uncertain significance. Last evaluated: 2025-03-10. Review status: criteria provided, single submitter. Criteria: Ambry Variant Classification Scheme 2023. Collection method: clinical testing. Allele origin: germline.
Comment: The p.E49K variant (also known as c.145G>A), located in coding exon 1 of the GALNT12 gene, results from a G to A substitution at nucleotide position 145. The glutamic acid at codon 49 is replaced by lysine, an amino acid with similar properties. This amino acid position is conserved. In addition, this alteration is predicted to be tolerated by in silico analysis. Since supporting evidence is limited at this time, the clinical significance of this alteration remains unclear.